The following is an entry in ClinVar:

NM_001166108.2(PALLD):c.1965-12755A>C

Gene: PALLD (palladin, cytoskeletal associated protein; plus strand). Cytogenetic location: 4q32.3.
Variant type: single nucleotide variant.
Coding change: c.1965-12755A>C on transcript NM_001166108.2 (MANE Select); 12755 bases into the intron before coding-DNA position 1965, A replaced by C.
Molecular consequence: intron variant. On other transcripts: synonymous variant (1).
Genome position (GRCh38, 1-based): chr4:168,878,167, A>C. VCF-style: chr4-168878167-A-C. GRCh37 (hg19) VCF-style: chr4-169799318-A-C.
Other names: c.276A>C, p.Pro92= (NM_001166110.2); c.1965-12755A>C (NM_016081.4); c.819-12755A>C (NM_001166109.2); c.-157-12755A>C (NM_001367570.1, NM_001367568.1, NM_001367567.1 and 1 more transcripts).
Identifiers: ClinVar variation 215806 (VCV000215806.13), dbSNP rs863224385, ClinGen allele CA339353.

ClinVar aggregate classification (germline): Benign/Likely benign. Review status: criteria provided, multiple submitters, no conflicts (2 of 4 stars). 4 submissions from 4 submitters: Benign (2); Likely benign (1). 1 of the submissions does not count toward it. Last evaluated 2025-11-17.

Conditions:
PALLD-related disorder. Also called: PALLD-related condition.
Pancreatic adenocarcinoma. Identifiers: MedGen C0281361, MONDO:0006047, HP:0006725.

Submissions (4):

Labcorp Genetics (formerly Invitae), Labcorp
Classification: Benign for Pancreatic adenocarcinoma. Last evaluated: 2025-11-17. Review status: criteria provided, single submitter. Criteria: Invitae Variant Classification Sherloc (09022015). Collection method: clinical testing. Allele origin: germline.

Blueprint Genetics
Classification: Likely benign. Last evaluated: 2024-11-23. Review status: criteria provided, single submitter. Criteria: ACMG Guidelines, 2015. Collection method: clinical testing. Allele origin: germline.

Breakthrough Genomics
Classification: Benign. Review status: criteria provided, single submitter. Criteria: ACMG Guidelines, 2015. Collection method: not provided. Allele origin: germline. Inheritance: Autosomal dominant inheritance. Affected: yes.

PreventionGenetics, part of Exact Sciences
Classification: Likely benign for PALLD-related condition. Last evaluated: 2021-11-01. Review status: no assertion criteria provided. Collection method: clinical testing. Allele origin: germline. Not counted in ClinVar's aggregate classification.
Comment: This variant is classified as likely benign based on ACMG/AMP sequence variant interpretation guidelines (Richards et al. 2015 PMID: 25741868, with internal and published modifications).